The following is an entry in ClinVar:

NM_022725.4(FANCF):c.70A>G (p.Ser24Gly)

Gene: FANCF (FA complementation group F; minus strand). Cytogenetic location: 11p14.3.
Variant type: single nucleotide variant.
Coding change: c.70A>G on transcript NM_022725.4 (MANE Select); coding-DNA position 70, A replaced by G.
Protein change: p.Ser24Gly; replaces serine 24 with glycine.
Molecular consequence: missense variant.
Genome position (GRCh38, 1-based): chr11:22,625,741, T>C on the plus strand (A>G on the coding strand, the complement: FANCF is on the minus strand). VCF-style: chr11-22625741-T-C. GRCh37 (hg19) VCF-style: chr11-22647287-T-C.
Other names: short protein forms S24G.
Identifiers: ClinVar variation 1463135 (VCV001463135.8), dbSNP rs1858638724, ClinGen allele CA380059794.

ClinVar aggregate classification (germline): Uncertain significance (1 of 4 stars; one submission).

Conditions:
Fanconi anemia (FA). Also called: Fanconi's anemia. Identifiers: Orphanet 84, MedGen C0015625, MeSH D005199, MONDO:0019391.

Submission:

Labcorp Genetics (formerly Invitae), Labcorp
Classification: Uncertain significance for Fanconi anemia. Last evaluated: 2021-02-15. Review status: criteria provided, single submitter. Criteria: Invitae Variant Classification Sherloc (09022015). Collection method: clinical testing. Allele origin: germline.
Comment: This sequence change replaces serine with glycine at codon 24 of the FANCF protein (p.Ser24Gly). The serine residue is moderately conserved and there is a small physicochemical difference between serine and glycine. This variant is not present in population databases (ExAC no frequency). This variant has not been reported in the literature in individuals with FANCF-related conditions. Algorithms developed to predict the effect of missense changes on protein structure and function output the following: SIFT: "Tolerated"; PolyPhen-2: "Benign"; Align-GVGD: "Class C0". The glycine amino acid residue is found in multiple mammalian species, suggesting that this missense change does not adversely affect protein function. These predictions have not been confirmed by published functional studies and their clinical significance is uncertain. In summary, the available evidence is currently insufficient to determine the role of this variant in disease. Therefore, it has been classified as a Variant of Uncertain Significance.